The following is an entry in ClinVar:

ClinVar aggregate classification (germline): Uncertain significance. Review status: criteria provided, multiple submitters, no conflicts (2 of 4 stars). 2 submissions from 2 submitters: Uncertain significance (2). Last evaluated 2025-05-11.

Conditions:
Hereditary cancer-predisposing syndrome. Also called: Hereditary Cancer Syndrome; Hereditary neoplastic syndrome; Neoplastic Syndromes, Hereditary; Tumor predisposition. Identifiers: Orphanet 140162, MedGen C0027672, MeSH D009386, MONDO:0015356.
Parathyroid carcinoma (PRTC). Also called: Parathyroid gland carcinoma; CDC73-Related Parathyroid Carcinoma. Identifiers: Orphanet 143, MedGen C0687150, MONDO:0012004, OMIM 608266, HP:0006780.

Submissions (2):

Ambry Genetics
Classification: Uncertain significance for Hereditary cancer-predisposing syndrome. Last evaluated: 2025-05-11. Review status: criteria provided, single submitter. Criteria: Ambry Variant Classification Scheme 2023. Collection method: clinical testing. Allele origin: germline.
Comment: The p.D507V variant (also known as c.1520A>T), located in coding exon 16 of the CDC73 gene, results from an A to T substitution at nucleotide position 1520. The aspartic acid at codon 507 is replaced by valine, an amino acid with highly dissimilar properties. This amino acid position is conserved. In addition, this alteration is predicted to be deleterious by in silico analysis. Based on the available evidence, the clinical significance of this variant remains unclear.

Labcorp Genetics (formerly Invitae), Labcorp
Classification: Uncertain significance for Parathyroid carcinoma. Last evaluated: 2021-09-03. Review status: criteria provided, single submitter. Criteria: Invitae Variant Classification Sherloc (09022015). Collection method: clinical testing. Allele origin: germline.
Comment: This sequence change replaces aspartic acid with valine at codon 507 of the CDC73 protein (p.Asp507Val). The aspartic acid residue is highly conserved and there is a large physicochemical difference between aspartic acid and valine. This variant is not present in population databases (ExAC no frequency). This variant has not been reported in the literature in individuals affected with CDC73-related conditions. Algorithms developed to predict the effect of missense changes on protein structure and function are either unavailable or do not agree on the potential impact of this missense change (SIFT: "Deleterious"; PolyPhen-2: "Probably Damaging"; Align-GVGD: "Class C15"). Algorithms developed to predict the effect of sequence changes on RNA splicing suggest that this variant may create or strengthen a splice site. In summary, the available evidence is currently insufficient to determine the role of this variant in disease. Therefore, it has been classified as a Variant of Uncertain Significance.

NM_024529.5(CDC73):c.1520A>T (p.Asp507Val)

Gene: CDC73 (cell division cycle 73; plus strand). Cytogenetic location: 1q31.2.
Variant type: single nucleotide variant.
Coding change: c.1520A>T on transcript NM_024529.5 (MANE Select); coding-DNA position 1520, A replaced by T.
Protein change: p.Asp507Val; replaces aspartic acid 507 with valine.
Molecular consequence: missense variant.
Genome position (GRCh38, 1-based): chr1:193,249,832, A>T. VCF-style: chr1-193249832-A-T. GRCh37 (hg19) VCF-style: chr1-193218962-A-T.
Other names: c.1520A>T (NM_024529.4); short protein forms D507V.
Identifiers: ClinVar variation 1062945 (VCV001062945.8), dbSNP rs2102073531, ClinGen allele CA344078572.
Genomic context (GRCh38, chr1:193,249,832, plus strand): 5'-CAAATGTTCAGAAATGGGATGTAACAGTATTAGAACTCAGCTATCACAAACGTCATTTGG[A>T]TAGACCAGTGTTCTTACGGTTTTGGGAAACATTGGACAGGTAATTCCGATTCTAAAATAT-3'
Protein context (NP_078805.3, residues 497-517): LELSYHKRHL[Asp507Val]RPVFLRFWET